The following is an entry in ClinVar:

ClinVar aggregate classification (germline): Uncertain significance (1 of 4 stars; one submission).

Conditions:
Neurofibromatosis, type 1 (NF1). Also called: VON RECKLINGHAUSEN DISEASE; Neurofibromatosis, type I; NEUROFIBROMATOSIS, TYPE I, SOMATIC; Peripheral type neurofibromatosis. Identifiers: Orphanet 636, MedGen C0027831, MONDO:0018975, OMIM 162200. Disease mechanism: loss of function.

Submission:

Labcorp Genetics (formerly Invitae), Labcorp
Classification: Uncertain significance for Neurofibromatosis, type 1. Last evaluated: 2023-03-27. Review status: criteria provided, single submitter. Criteria: Invitae Variant Classification Sherloc (09022015). Collection method: clinical testing. Allele origin: germline.
Comment: This variant is not present in population databases (gnomAD no frequency). This sequence change replaces arginine, which is basic and polar, with leucine, which is neutral and non-polar, at codon 1132 of the NF1 protein (p.Arg1132Leu). This variant has not been reported in the literature in individuals affected with NF1-related conditions. In summary, the available evidence is currently insufficient to determine the role of this variant in disease. Therefore, it has been classified as a Variant of Uncertain Significance. Advanced modeling of protein sequence and biophysical properties (such as structural, functional, and spatial information, amino acid conservation, physicochemical variation, residue mobility, and thermodynamic stability) has been performed at Invitae for this missense variant, however the output from this modeling did not meet the statistical confidence thresholds required to predict the impact of this variant on NF1 protein function.

NM_001042492.3(NF1):c.3395G>T (p.Arg1132Leu)

Gene: NF1 (neurofibromin 1; plus strand). Cytogenetic location: 17q11.2.
Variant type: single nucleotide variant.
Coding change: c.3395G>T on transcript NM_001042492.3 (MANE Select); coding-DNA position 3395, G replaced by T.
Protein change: p.Arg1132Leu; replaces arginine 1132 with leucine.
Molecular consequence: missense variant.
Genome position (GRCh38, 1-based): chr17:31,232,780, G>T. VCF-style: chr17-31232780-G-T. GRCh37 (hg19) VCF-style: chr17-29559798-G-T.
Other names: c.3395G>T, p.Arg1132Leu (NM_000267.4); short protein forms R1132L.
Identifiers: ClinVar variation 2799773 (VCV002799773.3), dbSNP rs778920556, ClinGen allele CA398989141.